The following is an entry in ClinVar:

NM_005120.3(MED12):c.-28G>T

Gene: MED12 (mediator complex subunit 12; plus strand). Cytogenetic location: Xq13.1.
Variant type: single nucleotide variant.
Coding change: c.-28G>T on transcript NM_005120.3 (MANE Select); 28 bases upstream of the start codon, G replaced by T.
Molecular consequence: 5 prime UTR variant.
Genome position (GRCh38, 1-based): chrX:71,118,727, G>T. VCF-style: chrX-71118727-G-T. GRCh37 (hg19) VCF-style: chrX-70338577-G-T.
Identifiers: ClinVar variation 507960 (VCV000507960.1), dbSNP rs373552360, ClinGen allele CA10443970.

ClinVar aggregate classification (germline): Likely benign (1 of 4 stars; one submission).

Allele frequency attached by ClinVar (database versions not stated): gnomAD exomes 0.00005 and 0.00010; gnomAD 0.00006; ExAC 0.00008; TOPMed 0.00008; ESP Exome Variant Server 0.00011.
gnomAD v4.1: 110 of 1,188,876 alleles (0.0093%); highest among the groups gnomAD compares: Non-Finnish European, 0.012%; no homozygotes.

Submission:

GeneDx
Classification: Likely benign. Last evaluated: 2017-03-17. Review status: criteria provided, single submitter. Criteria: GeneDx Variant Classification (06012015). Collection method: clinical testing. Allele origin: germline. Affected: yes.
Comment: This variant is considered likely benign or benign based on one or more of the following criteria: it is a conservative change, it occurs at a poorly conserved position in the protein, it is predicted to be benign by multiple in silico algorithms, and/or has population frequency not consistent with disease.